The following is an entry in ClinVar:

ClinVar aggregate classification (germline): Benign/Likely benign. Review status: criteria provided, multiple submitters, no conflicts (2 of 4 stars). 6 submissions from 6 submitters: Benign (4); Likely benign (2). Last evaluated 2026-08-01.

Allele frequency attached by ClinVar (database versions not stated): TOPMed 0.00285; gnomAD 0.00300; ESP Exome Variant Server 0.00323; 1000 Genomes Project 30x 0.00328; 1000 Genomes Project 0.00399.

Submissions (6):

CeGaT Center for Human Genetics Tuebingen
Classification: Benign. Last evaluated: 2026-08-01. Review status: criteria provided, single submitter. Criteria: CeGaT Center For Human Genetics Tuebingen Variant Classification Criteria Version 2. Collection method: clinical testing. Allele origin: germline. Affected: yes. Observed: 13 variant alleles.
Comment: VPS13C: BP4, BS1, BS2

Labcorp Genetics (formerly Invitae), Labcorp
Classification: Benign. Last evaluated: 2025-12-21. Review status: criteria provided, single submitter. Criteria: Invitae Variant Classification Sherloc (09022015). Collection method: clinical testing. Allele origin: germline.

Blueprint Genetics
Classification: Likely benign. Last evaluated: 2024-11-18. Review status: criteria provided, single submitter. Criteria: ACMG Guidelines, 2015. Collection method: clinical testing. Allele origin: germline.

Mayo Clinic Laboratories, Mayo Clinic
Classification: Benign. Last evaluated: 2024-02-27. Review status: criteria provided, single submitter. Criteria: ACMG Guidelines, 2015. Collection method: clinical testing. Allele origin: germline. Observed: 3 variant alleles.
Comment: BA1, BP4

GeneDx
Classification: Likely benign. Last evaluated: 2020-04-17. Review status: criteria provided, single submitter. Criteria: GeneDx Variant Classification Process June 2021. Collection method: clinical testing. Allele origin: germline. Affected: yes.
Comment: See Variant Classification Assertion Criteria.

Breakthrough Genomics
Classification: Benign. Review status: criteria provided, single submitter. Criteria: ACMG Guidelines, 2015. Collection method: not provided. Allele origin: germline. Inheritance: Autosomal recessive inheritance. Affected: yes.

Literature cited by the submitters: PubMed 32707456 (cited by Mayo Clinic Laboratories, Mayo Clinic).

NM_020821.3(VPS13C):c.7139A>G (p.His2380Arg)

Gene: VPS13C (vacuolar protein sorting 13 homolog C; minus strand). Cytogenetic location: 15q22.2.
Variant type: single nucleotide variant.
Coding change: c.7139A>G on transcript NM_020821.3 (MANE Select); coding-DNA position 7139, A replaced by G.
Protein change: p.His2380Arg; replaces histidine 2380 with arginine.
Molecular consequence: missense variant.
Genome position (GRCh38, 1-based): chr15:61,920,571, T>C on the plus strand (A>G on the coding strand, the complement: VPS13C is on the minus strand). VCF-style: chr15-61920571-T-C. GRCh37 (hg19) VCF-style: chr15-62212770-T-C.
Other names: p.His2380Arg; c.7139A>G, p.His2380Arg (NM_001018088.3); c.7010A>G, p.His2337Arg (NM_017684.5, NM_018080.4); short protein forms H2337R, H2380R.
Identifiers: ClinVar variation 789077 (VCV000789077.38), dbSNP rs139993005, ClinGen allele CA7595346.